The following is an entry in ClinVar:

ClinVar aggregate classification (germline): Uncertain significance (1 of 4 stars; one submission).

Conditions:
Inborn genetic diseases. Identifiers: MedGen C0950123, MeSH D030342.

gnomAD v4.1: 2 of 1,613,962 alleles (0.00012%); highest among the groups gnomAD compares: Admixed American, 0.0033%; no homozygotes.

Submission:

Ambry Genetics
Classification: Uncertain significance for Inborn genetic diseases. Last evaluated: 2021-12-07. Review status: criteria provided, single submitter. Criteria: Ambry Variant Classification Scheme 2023. Collection method: clinical testing. Allele origin: germline.
Comment: The p.P9Q variant (also known as c.26C>A), located in coding exon 1 of the SMAD2 gene, results from a C to A substitution at nucleotide position 26. The proline at codon 9 is replaced by glutamine, an amino acid with similar properties. This amino acid position is conserved. In addition, the in silico prediction for this alteration is inconclusive. Since supporting evidence is limited at this time, the clinical significance of this alteration remains unclear.

NM_005901.6(SMAD2):c.26C>A (p.Pro9Gln)

Gene: SMAD2 (SMAD family member 2; minus strand). Cytogenetic location: 18q21.1.
Variant type: single nucleotide variant.
Coding change: c.26C>A on transcript NM_005901.6 (MANE Select); coding-DNA position 26, C replaced by A.
Protein change: p.Pro9Gln; replaces proline 9 with glutamine.
Molecular consequence: missense variant.
Genome position (GRCh38, 1-based): chr18:47,896,731, G>T on the plus strand (C>A on the coding strand, the complement: SMAD2 is on the minus strand). VCF-style: chr18-47896731-G-T. GRCh37 (hg19) VCF-style: chr18-45423102-G-T.
Other names: c.26C>A, p.Pro9Gln (NM_001003652.4, NM_001135937.3); short protein forms P9Q.
Identifiers: ClinVar variation 1794898 (VCV001794898.2), dbSNP rs749758342, ClinGen allele CA402503649.